The following is an entry in ClinVar:

ClinVar aggregate classification (germline): Benign/Likely benign. Review status: criteria provided, multiple submitters, no conflicts (2 of 4 stars). 3 submissions from 3 submitters: Benign (1); Likely benign (2). Last evaluated 2026-01-26.

Allele frequency attached by ClinVar (database versions not stated): ESP Exome Variant Server 0.00047; TOPMed 0.00079; gnomAD 0.00086 and 0.00102; 1000 Genomes Project 0.00100; 1000 Genomes Project 30x 0.00141; ExAC 0.00149.
gnomAD v4.1: 2,611 of 1,613,926 alleles (0.16%); highest among the groups gnomAD compares: South Asian, 0.63%; 10 homozygotes.

Submissions (3):

Labcorp Genetics (formerly Invitae), Labcorp
Classification: Benign. Last evaluated: 2026-01-26. Review status: criteria provided, single submitter. Criteria: Invitae Variant Classification Sherloc (09022015). Collection method: clinical testing. Allele origin: germline.

CeGaT Center for Human Genetics Tuebingen
Classification: Likely benign. Last evaluated: 2025-09-01. Review status: criteria provided, single submitter. Criteria: CeGaT Center For Human Genetics Tuebingen Variant Classification Criteria Version 2. Collection method: clinical testing. Allele origin: germline. Affected: yes. Observed: 7 variant alleles.
Comment: CACNA1B: BP4, BP7

Blueprint Genetics
Classification: Likely benign. Last evaluated: 2024-10-08. Review status: criteria provided, single submitter. Criteria: ACMG Guidelines, 2015. Collection method: clinical testing. Allele origin: germline.

NM_000718.4(CACNA1B):c.5031C>T (p.Thr1677=)

Gene: CACNA1B (calcium voltage-gated channel subunit alpha1 B; plus strand). Cytogenetic location: 9q34.3.
Variant type: single nucleotide variant.
Coding change: c.5031C>T on transcript NM_000718.4 (MANE Select); coding-DNA position 5031, C replaced by T.
Protein change: p.Thr1677=; no amino-acid change (threonine 1677 retained).
Molecular consequence: synonymous variant.
Genome position (GRCh38, 1-based): chr9:138,078,195, C>T. VCF-style: chr9-138078195-C-T. GRCh37 (hg19) VCF-style: chr9-140972647-C-T.
Other names: c.5031C>T, p.Thr1677= (NM_001243812.2).
Identifiers: ClinVar variation 728756 (VCV000728756.41), dbSNP rs200959091, ClinGen allele CA5377242.
Genomic context (GRCh38, chr9:138,078,195, plus strand): 5'-GCACGAGATCATGCTGTCCTGCCTGAGCAACCAGGCCTGTGATGAGCAGGCCAATGCCAC[C>T]GAGTGTGGAAGTGACTTTGCCTACTTCTACTTCGTCTCCTTCATCTTCCTGTGCTCCTTT-3'
Protein context (NP_000709.1, residues 1667-1687): NQACDEQANA[Thr1677=]ECGSDFAYFY